The following is an entry in ClinVar:

ClinVar aggregate classification (germline): Uncertain significance (1 of 4 stars; one submission).

gnomAD v4.1: 1 of 1,612,238 alleles (0.000062%); highest among the groups gnomAD compares: Non-Finnish European, 0.000085%; no homozygotes.

Submission:

GeneDx
Classification: Uncertain significance. Last evaluated: 2023-12-13. Review status: criteria provided, single submitter. Criteria: GeneDx Variant Classification Process June 2021. Collection method: clinical testing. Allele origin: germline. Affected: yes.
Comment: Not observed at significant frequency in large population cohorts (gnomAD); In silico analysis supports that this missense variant has a deleterious effect on protein structure/function; Has not been previously published as pathogenic or benign to our knowledge

NM_014915.3(ANKRD26):c.3704A>G (p.Gln1235Arg)

Gene: ANKRD26 (ankyrin repeat domain containing 26; minus strand). Cytogenetic location: 10p12.1.
Variant type: single nucleotide variant.
Coding change: c.3704A>G on transcript NM_014915.3 (MANE Select); coding-DNA position 3704, A replaced by G.
Protein change: p.Gln1235Arg; replaces glutamine 1235 with arginine.
Molecular consequence: missense variant.
Genome position (GRCh38, 1-based): chr10:27,033,328, T>C on the plus strand (A>G on the coding strand, the complement: ANKRD26 is on the minus strand). VCF-style: chr10-27033328-T-C. GRCh37 (hg19) VCF-style: chr10-27322257-T-C.
Other names: c.3701A>G, p.Gln1234Arg (NM_001256053.2); short protein forms Q1234R, Q1235R.
Identifiers: ClinVar variation 3252828 (VCV003252828.1), dbSNP rs765506121.